The following is an entry in ClinVar:

ClinVar aggregate classification (germline): Conflicting classifications of pathogenicity. Review status: criteria provided, conflicting classifications (1 of 4 stars). 5 submissions from 5 submitters: Uncertain significance (1); Likely benign (4). Last evaluated 2026-02-03.

Conditions:
Primary ciliary dyskinesia. Also called: Ciliary dyskinesia. Identifiers: Orphanet 244, MedGen C0008780, MONDO:0016575, HP:0012265.
Primary ciliary dyskinesia 15. Also called: CILIARY DYSKINESIA, PRIMARY, 15, WITH OR WITHOUT SITUS INVERSUS. Identifiers: Orphanet 244, MedGen C3151137, MONDO:0013435, OMIM 613808.

Allele frequency attached by ClinVar (database versions not stated): TOPMed 0.00014; ESP Exome Variant Server 0.00016.
gnomAD v4.1: 445 of 1,612,994 alleles (0.028%); highest among the groups gnomAD compares: Non-Finnish European, 0.035%; no homozygotes.

Submissions (5):

Labcorp Genetics (formerly Invitae), Labcorp
Classification: Likely benign for Primary ciliary dyskinesia. Last evaluated: 2026-02-03. Review status: criteria provided, single submitter. Criteria: Invitae Variant Classification Sherloc (09022015). Collection method: clinical testing. Allele origin: germline.

Ambry Genetics
Classification: Likely benign for Primary ciliary dyskinesia. Last evaluated: 2026-01-30. Review status: criteria provided, single submitter. Criteria: Ambry Variant Classification Scheme 2023. Collection method: clinical testing. Allele origin: germline.

Blueprint Genetics
Classification: Likely benign. Last evaluated: 2023-07-13. Review status: criteria provided, single submitter. Criteria: ACMG Guidelines, 2015. Collection method: clinical testing. Allele origin: germline.

Illumina Laboratory Services, Illumina
Classification: Uncertain significance for Primary ciliary dyskinesia 15. Last evaluated: 2018-01-13. Review status: criteria provided, single submitter. Criteria: ICSL Variant Classification Criteria 13 December 2019. Collection method: clinical testing. Allele origin: germline.

Laboratory for Molecular Medicine, Mass General Brigham Personalized Medicine
Classification: Likely benign. Last evaluated: 2016-02-15. Review status: criteria provided, single submitter. Criteria: LMM Criteria. Collection method: clinical testing. Allele origin: germline. Observed: 1 variant allele.
Comment: p.Ser489Ser in exon 10 of CCDC40: This variant is not expected to have clinical significance because it does not alter an amino acid residue and is not located within the splice consensus sequence. It has been identified in 20/65188 Europea n chromosomes by the Exome Aggregation Consortium (ExAC; dbSNP rs200154414).

NM_017950.4(CCDC40):c.1467C>T (p.Ser489=)

Gene: CCDC40 (coiled-coil domain 40 molecular ruler complex subunit; plus strand). Cytogenetic location: 17q25.3.
Variant type: single nucleotide variant.
Coding change: c.1467C>T on transcript NM_017950.4 (MANE Select); coding-DNA position 1467, C replaced by T.
Protein change: p.Ser489=; no amino-acid change (serine 489 retained).
Molecular consequence: synonymous variant.
Genome position (GRCh38, 1-based): chr17:80,065,511, C>T. VCF-style: chr17-80065511-C-T. GRCh37 (hg19) VCF-style: chr17-78039310-C-T.
Other names: c.1467C>T, p.Ser489= (NM_001243342.2, NM_001330508.2).
Identifiers: ClinVar variation 227211 (VCV000227211.20), dbSNP rs200154414, ClinGen allele CA8813853.